The following is an entry in ClinVar:

NM_002528.7(NTHL1):c.661G>A (p.Ala221Thr)

Gene: NTHL1 (nth like DNA glycosylase 1; minus strand). Cytogenetic location: 16p13.3.
Variant type: single nucleotide variant.
Coding change: c.661G>A on transcript NM_002528.7 (MANE Select); coding-DNA position 661, G replaced by A.
Protein change: p.Ala221Thr; replaces alanine 221 with threonine.
Molecular consequence: missense variant.
Genome position (GRCh38, 1-based): chr16:2,043,591, C>T on the plus strand (G>A on the coding strand, the complement: NTHL1 is on the minus strand). VCF-style: chr16-2043591-C-T. GRCh37 (hg19) VCF-style: chr16-2093592-C-T.
Other names: c.490G>A, p.Ala164Thr (NM_001318193.2); c.331G>A, p.Ala111Thr (NM_001318194.2); short protein forms A111T, A164T, A221T.
Identifiers: ClinVar variation 997596 (VCV000997596.5), dbSNP rs1596219280, ClinGen allele CA394290992.

ClinVar aggregate classification (germline): Uncertain significance. Review status: criteria provided, multiple submitters, no conflicts (2 of 4 stars). 2 submissions from 2 submitters: Uncertain significance (2). Last evaluated 2025-06-01.

Conditions:
Hereditary cancer-predisposing syndrome. Also called: Neoplastic Syndromes, Hereditary; Hereditary Cancer Syndrome; Hereditary neoplastic syndrome; Tumor predisposition. Identifiers: Orphanet 140162, MedGen C0027672, MeSH D009386, MONDO:0015356.
Familial adenomatous polyposis 3. Also called: NTHL1-related attenuated familial adenomatous polyposis; NTHL1 Tumor Syndrome; NTHL1-associated polyposis; NTHL1-Related Adenomatous Polyposis and Colorectal Cancer. Identifiers: Orphanet 220460, Orphanet 454840, MedGen C4225157, MONDO:0014630, OMIM 616415.

gnomAD v4.1: 1 of 1,608,956 alleles (0.000062%); highest among the groups gnomAD compares: Non-Finnish European, 0.000085%; no homozygotes.

Submissions (2):

Ambry Genetics
Classification: Uncertain significance for Hereditary cancer-predisposing syndrome. Last evaluated: 2025-06-01. Review status: criteria provided, single submitter. Criteria: Ambry Variant Classification Scheme 2023. Collection method: clinical testing. Allele origin: germline.
Comment: The p.A229T variant (also known as c.685G>A), located in coding exon 4 of the NTHL1 gene, results from a G to A substitution at nucleotide position 685. The alanine at codon 229 is replaced by threonine, an amino acid with similar properties. This amino acid position is conserved. In addition, this alteration is predicted to be deleterious by in silico analysis. Since supporting evidence is limited at this time, the clinical significance of this alteration remains unclear.

Baylor Genetics
Classification: Uncertain significance for Familial adenomatous polyposis 3. Last evaluated: 2020-01-07. Review status: criteria provided, single submitter. Criteria: ACMG Guidelines, 2015. Collection method: clinical testing. Allele origin: unknown. Affected: yes. Study: CSER-TexasKidsCanSeq.
Comment: This variant was determined to be of uncertain significance according to ACMG Guidelines, 2015 [PMID:25741868].